The following is an entry in ClinVar:

ClinVar aggregate classification (germline): Uncertain significance (1 of 4 stars; one submission).

Allele frequency attached by ClinVar (database versions not stated): gnomAD 0.00001; gnomAD exomes 0.00001; TOPMed 0.00001; ExAC 0.00002; ESP Exome Variant Server 0.00008.
gnomAD v4.1: 9 of 1,613,960 alleles (0.00056%); highest among the groups gnomAD compares: African/African-American, 0.0027%; no homozygotes.

Submission:

Laboratorio de Genetica e Diagnostico Molecular, Hospital Israelita Albert Einstein
Classification: Uncertain significance. Last evaluated: 2020-03-11. Review status: criteria provided, single submitter. Criteria: ACMG Guidelines, 2015. Collection method: clinical testing. Allele origin: germline. Affected: yes.
Comment: ACMG classification criteria: PM2, PP2

NM_001005273.3(CHD3):c.5654C>T (p.Thr1885Met)

Gene: CHD3 (chromodomain helicase DNA binding protein 3; plus strand). Cytogenetic location: 17p13.1.
Variant type: single nucleotide variant.
Coding change: c.5654C>T on transcript NM_001005273.3 (MANE Select); coding-DNA position 5654, C replaced by T.
Protein change: p.Thr1885Met; replaces threonine 1885 with methionine.
Molecular consequence: missense variant.
Genome position (GRCh38, 1-based): chr17:7,910,491, C>T. VCF-style: chr17-7910491-C-T. GRCh37 (hg19) VCF-style: chr17-7813809-C-T.
Other names: c.5831C>T, p.Thr1944Met (NM_001005271.3); c.5552C>T, p.Thr1851Met (NM_005852.4); short protein forms T1851M, T1885M, T1944M.
Identifiers: ClinVar variation 1690840 (VCV001690840.2), dbSNP rs377081442, ClinGen allele CA8363717.